The following is an entry in ClinVar:

ClinVar aggregate classification (germline): Uncertain significance (1 of 4 stars; one submission).

Allele frequency attached by ClinVar (database versions not stated): 1000 Genomes Project 30x 0.00016; 1000 Genomes Project 0.00020.
gnomAD v4.1: 4 of 1,610,460 alleles (0.00025%); highest among the groups gnomAD compares: Admixed American, 0.0017%; no homozygotes.

Submission:

Labcorp Genetics (formerly Invitae), Labcorp
Classification: Uncertain significance. Last evaluated: 2022-07-02. Review status: criteria provided, single submitter. Criteria: Invitae Variant Classification Sherloc (09022015). Collection method: clinical testing. Allele origin: germline.
Comment: Algorithms developed to predict the effect of missense changes on protein structure and function are either unavailable or do not agree on the potential impact of this missense change (SIFT: "Deleterious"; PolyPhen-2: "Possibly Damaging"; Align-GVGD: "Class C0"). This variant has not been reported in the literature in individuals affected with SLC6A19-related conditions. This variant is not present in population databases (gnomAD no frequency). This sequence change replaces asparagine, which is neutral and polar, with isoleucine, which is neutral and non-polar, at codon 258 of the SLC6A19 protein (p.Asn258Ile). In summary, the available evidence is currently insufficient to determine the role of this variant in disease. Therefore, it has been classified as a Variant of Uncertain Significance.

NM_001003841.3(SLC6A19):c.773A>T (p.Asn258Ile)

Gene: SLC6A19 (solute carrier family 6 member 19; plus strand). Cytogenetic location: 5p15.33.
Variant type: single nucleotide variant.
Coding change: c.773A>T on transcript NM_001003841.3 (MANE Select); coding-DNA position 773, A replaced by T.
Protein change: p.Asn258Ile; replaces asparagine 258 with isoleucine.
Molecular consequence: missense variant.
Genome position (GRCh38, 1-based): chr5:1,213,572, A>T. VCF-style: chr5-1213572-A-T. GRCh37 (hg19) VCF-style: chr5-1213687-A-T.
Other names: short protein forms N258I.
Identifiers: ClinVar variation 2013292 (VCV002013292.2), dbSNP rs146176472, ClinGen allele CA112941601.